The following is an entry in ClinVar:

ClinVar aggregate classification (germline): Uncertain significance (1 of 4 stars; one submission).

Conditions:
Peroxisome biogenesis disorder. Identifiers: Orphanet 79189, MedGen C1832200, MONDO:0019234. Disease mechanism: loss of function.

Submission:

Labcorp Genetics (formerly Invitae), Labcorp
Classification: Uncertain significance for Peroxisome biogenesis disorder. Last evaluated: 2022-06-04. Review status: criteria provided, single submitter. Criteria: Invitae Variant Classification Sherloc (09022015). Collection method: clinical testing. Allele origin: germline.
Comment: In summary, the available evidence is currently insufficient to determine the role of this variant in disease. Therefore, it has been classified as a Variant of Uncertain Significance. Algorithms developed to predict the effect of missense changes on protein structure and function (SIFT, PolyPhen-2, Align-GVGD) all suggest that this variant is likely to be tolerated. This variant has not been reported in the literature in individuals affected with PEX6-related conditions. This variant is not present in population databases (gnomAD no frequency). This sequence change replaces glycine, which is neutral and non-polar, with aspartic acid, which is acidic and polar, at codon 457 of the PEX6 protein (p.Gly457Asp).

NM_000287.4(PEX6):c.1370G>A (p.Gly457Asp)

Gene: PEX6 (peroxisomal biogenesis factor 6; minus strand). Cytogenetic location: 6p21.1.
Variant type: single nucleotide variant.
Coding change: c.1370G>A on transcript NM_000287.4 (MANE Select); coding-DNA position 1370, G replaced by A.
Protein change: p.Gly457Asp; replaces glycine 457 with aspartic acid.
Molecular consequence: missense variant. On other transcripts: non-coding transcript variant (1).
Genome position (GRCh38, 1-based): chr6:42,968,983, C>T on the plus strand (G>A on the coding strand, the complement: PEX6 is on the minus strand). VCF-style: chr6-42968983-C-T. GRCh37 (hg19) VCF-style: chr6-42936721-C-T.
Other names: c.1106G>A, p.Gly369Asp (NM_001316313.2); short protein forms G369D, G457D.
Identifiers: ClinVar variation 2037462 (VCV002037462.4), dbSNP rs752494573, ClinGen allele CA364155482.